The following is an entry in ClinVar:

NM_002691.4(POLD1):c.3106_3120+11dup

Gene: POLD1 (DNA polymerase delta 1, catalytic subunit; plus strand). Cytogenetic location: 19q13.33.
Variant type: Duplication.
Coding change: c.3106_3120+11dup on transcript NM_002691.4 (MANE Select); coding-DNA position 3106 through 11 bases into the intron after coding-DNA position 3120, 26 bases duplicated (CTGTATCAGAAGGAGGTGAGAGGGCC).
Molecular consequence: splice donor variant.
Genome position (GRCh38, 1-based): chr19:50,417,083-50,417,108, CTGTATCAGAAGGAGGTGAGAGGGCC duplicated. VCF-style (leftmost placement, unchanged base first): chr19-50417082-G-GCTGTATCAGAAGGAGGTGAGAGGGCC. GRCh37 (hg19) VCF-style: chr19-50920339-G-GCTGTATCAGAAGGAGGTGAGAGGGCC.
Other names: c.3106_3120+11dup (NM_001256849.1); c.3184_3198+11dup (NM_001308632.1); c.3106_3120+11dupCTGTATCAGAAGGAGGTGAGAGGGCC (NM_002691.2).
Identifiers: ClinVar variation 1417835 (VCV001417835.9), dbSNP rs2122504118, ClinGen allele CA2573156771.

ClinVar aggregate classification (germline): Uncertain significance. Review status: criteria provided, multiple submitters, no conflicts (2 of 4 stars). 2 submissions from 2 submitters: Uncertain significance (2). Last evaluated 2026-02-11.

Conditions:
POLD1-related polyposis and colorectal cancer syndrome (CRCS10). Also called: Colorectal cancer, susceptibility to, 10; Colorectal cancer 10; COLORECTAL CANCER, SUSCEPTIBILITY TO, ON CHROMOSOME 19q. Identifiers: Orphanet 220460, MedGen C2675481, MONDO:0012953, OMIM 612591.
Hereditary cancer-predisposing syndrome. Also called: Tumor predisposition; Hereditary Cancer Syndrome; Hereditary neoplastic syndrome; Neoplastic Syndromes, Hereditary. Identifiers: Orphanet 140162, MedGen C0027672, MeSH D009386, MONDO:0015356.

Submissions (2):

Ambry Genetics
Classification: Uncertain significance for Hereditary cancer-predisposing syndrome. Last evaluated: 2026-02-11. Review status: criteria provided, single submitter. Criteria: Ambry Variant Classification Scheme 2023. Collection method: clinical testing. Allele origin: germline.
Comment: The c.3106_3120+11dup26 variant results from a duplication of 26 nucleotides between positions c.3106 and c.3120+11 and involves the canonical splice donor site after coding exon 24 of the POLD1 gene. In silico splice site analysis predicts that this alteration will result in the creation or strengthening of a novel splice donor site; however, the exact impact of this duplication on splicing and function is currently unknown. The canonical splice donor site is highly conserved in available vertebrate species. Based on the available evidence, the clinical significance of this variant remains unclear.

Labcorp Genetics (formerly Invitae), Labcorp
Classification: Uncertain significance for POLD1-related polyposis and colorectal cancer syndrome. Last evaluated: 2025-10-27. Review status: criteria provided, single submitter. Criteria: Invitae Variant Classification Sherloc (09022015). Collection method: clinical testing. Allele origin: germline.
Comment: This sequence change falls in intron 25 of the POLD1 gene. It does not directly change the encoded amino acid sequence of the POLD1 protein. It affects a nucleotide within the consensus splice site. This variant is not present in population databases (gnomAD no frequency). This variant has not been reported in the literature in individuals affected with POLD1-related conditions. ClinVar contains an entry for this variant (Variation ID: 1417835). Variants that disrupt the consensus splice site are a relatively common cause of aberrant splicing (PMID: 17576681, 9536098). In summary, the available evidence is currently insufficient to determine the role of this variant in disease. Therefore, it has been classified as a Variant of Uncertain Significance.

Literature cited by the submitters: PubMed 17576681 (cited by Labcorp Genetics (formerly Invitae), Labcorp); PubMed 9536098 (cited by Labcorp Genetics (formerly Invitae), Labcorp).